The following continues an entry in ClinVar:

NM_000022.4(ADA):c.631C>T (p.Arg211Cys)

ClinVar aggregate classification (germline): Likely pathogenic. Likely pathogenic (1).

Submissions 9 to 12 of 12:

Illumina Laboratory Services, Illumina
Classification: Likely pathogenic for Severe combined immunodeficiency, autosomal recessive, T cell-negative, B cell-negative, NK cell-negative, due to adenosine deaminase deficiency. Last evaluated: 2018-11-01. Review status: criteria provided, single submitter. Criteria: ICSL Variant Classification Criteria 09 May 2019. Collection method: clinical testing. Allele origin: germline. Not counted in ClinVar's aggregate classification.
Comment: The ADA c.631C>T (p.Arg211Cys) variant was first reported by Hirschhorn et al. (1990) in a child with partial adenosine deaminase (ADA) deficiency. This patient was compound heterozygous for p.Arg211Cys and a second missense variant, and had approximately 8% residual ADA activity in lymphoid cells. The p.Arg211Cys variant was subsequently identified in a compound heterozygous state with a second deletion variant in two siblings with ADA deficiency and combined immunodeficiency, with no detectable ADA activity. The p.Arg211Cys variant was also detected in a heterozygous state in the mother, two additional siblings, and in a patient's child, all of whom had normal or below normal ADA activity (Shovlin et al. 1994). Control data are unavailable for this variant, but it is reported at a frequency of 0.00078 in the Latino population of the Exome Aggregation Consortium. Expression studies in COS cells by Jiang et al. (1997) showed that the p.Arg211Cys variant resulted in residual ADA activity of approximately 4% of normal. Another variant at this position, p.Arg211His, has also been seen in patients with ADA deficiency (Akeson et al. 1988; Arredondo-Vega et al. 1998). Based on the collective evidence, the p.Arg211Cys variant is classified as likely pathogenic for adenosine deaminase deficiency. This variant was observed by ICSL as part of a predisposition screen in an ostensibly healthy population.

Counsyl
Classification: Uncertain significance for Severe combined immunodeficiency, autosomal recessive, T cell-negative, B cell-negative, NK cell-negative, due to adenosine deaminase deficiency. Last evaluated: 2018-05-10. Review status: no assertion criteria provided. Collection method: clinical testing. Allele origin: unknown. Not counted in ClinVar's aggregate classification.

OMIM
Classification: Pathogenic for ADENOSINE DEAMINASE DEFICIENCY, PARTIAL. Last evaluated: 1994-09-01. Review status: no assertion criteria provided. Collection method: literature only. Allele origin: germline. Not counted in ClinVar's aggregate classification.

UniProtKB/Swiss-Prot
No classification provided. Condition: Severe combined immunodeficiency due to ADA deficiency. Review status: no classification provided. Collection method: not provided. Allele origin: unknown. Not counted in ClinVar's aggregate classification.

Literature cited by the submitters: PubMed 2166947 (cited by 6 submitters); PubMed 8051429 (cited by 6 submitters); PubMed 9616253 (cited by Labcorp Genetics (formerly Invitae), Labcorp); PubMed 9361033 (cited by 5 submitters); PubMed 9758612 (cited by 4 submitters); PubMed 1974554 (cited by Labcorp Genetics (formerly Invitae), Labcorp); PubMed 9414266 (cited by Labcorp Genetics (formerly Invitae), Labcorp); PubMed 26376800 (cited by Labcorp Genetics (formerly Invitae), Labcorp); PubMed 33951760 (cited by Natera, Inc.); PubMed 38636590 (cited by Women's Health and Genetics/Laboratory Corporation of America, LabCorp); PubMed 3182793 (cited by Illumina Laboratory Services, Illumina).